The following is an entry in ClinVar:

ClinVar aggregate classification (germline): Uncertain significance (1 of 4 stars; one submission).

Conditions:
Pyridoxine-dependent epilepsy (EPEO4). Also called: Pyridoxine-Dependent Seizures; Pyridoxine-Dependent Epilepsy - ALDH7A1; PYRIDOXINE DEPENDENCY WITH SEIZURES; EPILEPSY, EARLY-ONSET, 4, VITAMIN B6-DEPENDENT. Identifiers: Orphanet 3006, MedGen C1849508, MONDO:0009945, OMIM 266100. Disease mechanism: loss of function.

Allele frequency attached by ClinVar (database versions not stated): gnomAD 0.00001.
gnomAD v4.1: 1 of 1,605,980 alleles (0.000062%); highest among the groups gnomAD compares: Admixed American, 0.0017%; no homozygotes.

Submission:

Labcorp Genetics (formerly Invitae), Labcorp
Classification: Uncertain significance for Pyridoxine-dependent epilepsy. Last evaluated: 2022-08-23. Review status: criteria provided, single submitter. Criteria: Invitae Variant Classification Sherloc (09022015). Collection method: clinical testing. Allele origin: germline.
Comment: This sequence change replaces alanine, which is neutral and non-polar, with threonine, which is neutral and polar, at codon 40 of the ALDH7A1 protein (p.Ala40Thr). This variant is present in population databases (no rsID available, gnomAD 0.1%). This variant has not been reported in the literature in individuals affected with ALDH7A1-related conditions. ClinVar contains an entry for this variant (Variation ID: 1514696). Advanced modeling of protein sequence and biophysical properties (such as structural, functional, and spatial information, amino acid conservation, physicochemical variation, residue mobility, and thermodynamic stability) performed at Invitae indicates that this missense variant is not expected to disrupt ALDH7A1 protein function. In summary, the available evidence is currently insufficient to determine the role of this variant in disease. Therefore, it has been classified as a Variant of Uncertain Significance.

NM_001182.5(ALDH7A1):c.118G>A (p.Ala40Thr)

Gene: ALDH7A1 (aldehyde dehydrogenase 7 family member A1; minus strand). Cytogenetic location: 5q23.2.
Variant type: single nucleotide variant.
Coding change: c.118G>A on transcript NM_001182.5 (MANE Select); coding-DNA position 118, G replaced by A.
Protein change: p.Ala40Thr; replaces alanine 40 with threonine.
Molecular consequence: missense variant.
Genome position (GRCh38, 1-based): chr5:126,595,081, C>T on the plus strand (G>A on the coding strand, the complement: ALDH7A1 is on the minus strand). VCF-style: chr5-126595081-C-T. GRCh37 (hg19) VCF-style: chr5-125930773-C-T.
Other names: c.34G>A, p.Ala12Thr (NM_001201377.2); c.118G>A, p.Ala40Thr (NM_001202404.2); short protein forms A40T, A12T.
Identifiers: ClinVar variation 1514696 (VCV001514696.5), dbSNP rs1457538662, ClinGen allele CA360733811.